The following is an entry in ClinVar:

NM_133642.5(LARGE1):c.1287+1G>A

Gene: LARGE1 (LARGE xylosyl- and glucuronyltransferase 1; minus strand). Cytogenetic location: 22q12.3.
Variant type: single nucleotide variant.
Coding change: c.1287+1G>A on transcript NM_133642.5 (MANE Select); the canonical splice donor site of the intron after coding-DNA position 1287, G replaced by A.
Molecular consequence: splice donor variant. On other transcripts: intron variant (2).
Genome position (GRCh38, 1-based): chr22:33,337,645, C>T on the plus strand (G>A on the coding strand, the complement: LARGE1 is on the minus strand). VCF-style: chr22-33337645-C-T. GRCh37 (hg19) VCF-style: chr22-33733631-C-T.
Other names: c.1287+1G>A (NM_001362953.2, NM_001362949.2, NM_001378627.1 and 6 more transcripts); c.1132-21397G>A (NM_001378629.1); c.529-21397G>A (NM_001378631.1); c.684+1G>A (NM_001378630.1).
Identifiers: ClinVar variation 3016943 (VCV003016943.3), dbSNP rs1381780038, ClinGen allele CA411543561.

ClinVar aggregate classification (germline): Likely pathogenic (1 of 4 stars; one submission).

Conditions:
Muscular dystrophy-dystroglycanopathy type B6 (MDDGB6). Also called: MUSCULAR DYSTROPHY-DYSTROGLYCANOPATHY (CONGENITAL WITH IMPAIRED INTELLECTUAL DEVELOPMENT), TYPE B, 6; MUSCULAR DYSTROPHY, CONGENITAL, LARGE-RELATED; MUSCULAR DYSTROPHY, CONGENITAL, TYPE 1D. Identifiers: MedGen C1837229, MONDO:0012138, OMIM 608840.

Allele frequency attached by ClinVar (database versions not stated): TOPMed 0.00001.
gnomAD v4.1: 4 of 1,614,104 alleles (0.00025%); highest among the groups gnomAD compares: Non-Finnish European, 0.00025%; no homozygotes.

Submission:

Labcorp Genetics (formerly Invitae), Labcorp
Classification: Likely pathogenic for Muscular dystrophy-dystroglycanopathy type B6. Last evaluated: 2024-01-28. Review status: criteria provided, single submitter. Criteria: Invitae Variant Classification Sherloc (09022015). Collection method: clinical testing. Allele origin: germline.
Comment: This sequence change affects a donor splice site in intron 11 of the LARGE1 gene. It is expected to disrupt RNA splicing. Variants that disrupt the donor or acceptor splice site typically lead to a loss of protein function (PMID: 16199547), and loss-of-function variants in LARGE1 are known to be pathogenic (PMID: 12966029, 17878207). This variant is present in population databases (no rsID available, gnomAD 0.004%). This variant has not been reported in the literature in individuals affected with LARGE1-related conditions. Algorithms developed to predict the effect of sequence changes on RNA splicing suggest that this variant may disrupt the consensus splice site. In summary, the currently available evidence indicates that the variant is pathogenic, but additional data are needed to prove that conclusively. Therefore, this variant has been classified as Likely Pathogenic.

Literature cited by the submitters: PubMed 16199547; PubMed 12966029; PubMed 17878207.